The following is an entry in ClinVar:

NM_005591.4(MRE11):c.1765G>T (p.Gly589Trp)

Gene: MRE11 (MRE11 double strand break repair nuclease; minus strand). Cytogenetic location: 11q21.
Variant type: single nucleotide variant.
Coding change: c.1765G>T on transcript NM_005591.4 (MANE Select); coding-DNA position 1765, G replaced by T.
Protein change: p.Gly589Trp; replaces glycine 589 with tryptophan.
Molecular consequence: missense variant.
Genome position (GRCh38, 1-based): chr11:94,447,237, C>A on the plus strand (G>T on the coding strand, the complement: MRE11 is on the minus strand). VCF-style: chr11-94447237-C-A. GRCh37 (hg19) VCF-style: chr11-94180403-C-A.
Other names: c.1765G>T, p.Gly589Trp (NM_001330347.2, NM_005590.4); short protein forms G589W.
Identifiers: ClinVar variation 3912860 (VCV003912860.1).

ClinVar aggregate classification (germline): Uncertain significance (1 of 4 stars; one submission).

Conditions:
Hereditary cancer-predisposing syndrome. Also called: Hereditary Cancer Syndrome; Hereditary neoplastic syndrome; Neoplastic Syndromes, Hereditary; Tumor predisposition. Identifiers: Orphanet 140162, MedGen C0027672, MeSH D009386, MONDO:0015356.

Submission:

Ambry Genetics
Classification: Uncertain significance for Hereditary cancer-predisposing syndrome. Last evaluated: 2025-05-20. Review status: criteria provided, single submitter. Criteria: Ambry Variant Classification Scheme 2023. Collection method: clinical testing. Allele origin: germline.
Comment: The p.G589W variant (also known as c.1765G>T), located in coding exon 14 of the MRE11A gene, results from a G to T substitution at nucleotide position 1765. The glycine at codon 589 is replaced by tryptophan, an amino acid with highly dissimilar properties. This amino acid position is conserved. In addition, this alteration is predicted to be tolerated by in silico analysis. Based on the available evidence, the clinical significance of this variant remains unclear.